The following is an entry in ClinVar:

NM_001128840.3(CACNA1D):c.5975A>G (p.Asp1992Gly)

Gene: CACNA1D (calcium voltage-gated channel subunit alpha1 D; plus strand). Cytogenetic location: 3p21.1.
Variant type: single nucleotide variant.
Coding change: c.5975A>G on transcript NM_001128840.3 (MANE Select); coding-DNA position 5975, A replaced by G.
Protein change: p.Asp1992Gly; replaces aspartic acid 1992 with glycine.
Molecular consequence: missense variant.
Genome position (GRCh38, 1-based): chr3:53,810,081, A>G. VCF-style: chr3-53810081-A-G. GRCh37 (hg19) VCF-style: chr3-53844108-A-G.
Other names: c.6035A>G, p.Asp2012Gly (NM_000720.4); c.5903A>G, p.Asp1968Gly (NM_001128839.3); short protein forms D1968G, D2012G, D1992G.
Identifiers: ClinVar variation 2850465 (VCV002850465.3), dbSNP rs2474560393, ClinGen allele CA353258202.

ClinVar aggregate classification (germline): Uncertain significance (1 of 4 stars; one submission).

Submission:

Labcorp Genetics (formerly Invitae), Labcorp
Classification: Uncertain significance. Last evaluated: 2023-03-28. Review status: criteria provided, single submitter. Criteria: Invitae Variant Classification Sherloc (09022015). Collection method: clinical testing. Allele origin: germline.
Comment: An algorithm developed to predict the effect of missense changes on protein structure and function (PolyPhen-2) suggests that this variant is likely to be disruptive. In summary, the available evidence is currently insufficient to determine the role of this variant in disease. Therefore, it has been classified as a Variant of Uncertain Significance. This sequence change replaces aspartic acid, which is acidic and polar, with glycine, which is neutral and non-polar, at codon 2012 of the CACNA1D protein (p.Asp2012Gly). This variant is not present in population databases (gnomAD no frequency). This variant has not been reported in the literature in individuals affected with CACNA1D-related conditions.